The following is an entry in ClinVar:

ClinVar aggregate classification (germline): Uncertain significance (1 of 4 stars; one submission).

Conditions:
Breast-ovarian cancer, familial, susceptibility to, 4. Identifiers: Orphanet 145, MedGen C3280345, MONDO:0013669, OMIM 614291.

Submission:

Labcorp Genetics (formerly Invitae), Labcorp
Classification: Uncertain significance for Breast-ovarian cancer, familial, susceptibility to, 4. Last evaluated: 2020-09-17. Review status: criteria provided, single submitter. Criteria: Invitae Variant Classification Sherloc (09022015). Collection method: clinical testing. Allele origin: germline.
Comment: In summary, the available evidence is currently insufficient to determine the role of this variant in disease. Therefore, it has been classified as a Variant of Uncertain Significance. Algorithms developed to predict the effect of missense changes on protein structure and function (SIFT, PolyPhen-2, Align-GVGD) all suggest that this variant is likely to be disruptive, but these predictions have not been confirmed by published functional studies and their clinical significance is uncertain. This variant has not been reported in the literature in individuals with RAD51D-related conditions. This variant is not present in population databases (ExAC no frequency). This sequence change replaces leucine with proline at codon 234 of the RAD51D protein (p.Leu234Pro). The leucine residue is highly conserved and there is a moderate physicochemical difference between leucine and proline.

NM_002878.4(RAD51D):c.701T>C (p.Leu234Pro)

Genes: RAD51D (RAD51 paralog D; minus strand), RAD51L3-RFFL (RAD51L3-RFFL readthrough; minus strand). Cytogenetic location: 17q12.
Variant type: single nucleotide variant.
Coding change: c.701T>C on transcript NM_002878.4 (MANE Select); coding-DNA position 701, T replaced by C.
Protein change: p.Leu234Pro; replaces leucine 234 with proline.
Molecular consequence: missense variant. On other transcripts: non-coding transcript variant (3).
Genome position (GRCh38, 1-based): chr17:35,103,291, A>G on the plus strand (T>C on the coding strand, the complement: RAD51D is on the minus strand). VCF-style: chr17-35103291-A-G. GRCh37 (hg19) VCF-style: chr17-33430310-A-G.
Other names: c.761T>C, p.Leu254Pro (NM_001142571.2); c.365T>C, p.Leu122Pro (NM_133629.3); short protein forms L122P, L234P, L254P.
Identifiers: ClinVar variation 1013719 (VCV001013719.5), dbSNP rs2091560784, ClinGen allele CA399087621.